The following is an entry in ClinVar:

NM_004813.4(PEX16):c.937G>A (p.Val313Ile)

Gene: PEX16 (peroxisomal biogenesis factor 16; minus strand). Cytogenetic location: 11p11.2.
Variant type: single nucleotide variant.
Coding change: c.937G>A on transcript NM_004813.4 (MANE Select); coding-DNA position 937, G replaced by A.
Protein change: p.Val313Ile; replaces valine 313 with isoleucine.
Molecular consequence: missense variant.
Genome position (GRCh38, 1-based): chr11:45,910,913, C>T on the plus strand (G>A on the coding strand, the complement: PEX16 is on the minus strand). VCF-style: chr11-45910913-C-T. GRCh37 (hg19) VCF-style: chr11-45932464-C-T.
Other names: c.937G>A, p.Val313Ile (NM_057174.3); short protein forms V313I.
Identifiers: ClinVar variation 956787 (VCV000956787.9), dbSNP rs747521980, ClinGen allele CA5959758.

ClinVar aggregate classification (germline): Uncertain significance. Review status: criteria provided, multiple submitters, no conflicts (2 of 4 stars). 3 submissions from 3 submitters: Uncertain significance (3). Last evaluated 2025-09-23.

Conditions:
Peroxisome biogenesis disorder. Identifiers: Orphanet 79189, MedGen C1832200, MONDO:0019234. Disease mechanism: loss of function.
PEX16-related disorder. Also called: PEX16-related condition.

Allele frequency attached by ClinVar (database versions not stated): ExAC 0.00001; gnomAD exomes 0.00002; TOPMed 0.00003.

Submissions (3):

PreventionGenetics, part of Exact Sciences
Classification: Uncertain significance for PEX16-related condition. Last evaluated: 2025-09-23. Review status: criteria provided, single submitter. Criteria: ACMG Guidelines, 2015. Collection method: clinical testing. Allele origin: germline.
Comment: The PEX16 c.937G>A variant is predicted to result in the amino acid substitution p.Val313Ile. To our knowledge, this variant has not been reported in the literature. This variant is reported in 0.0062% of alleles in individuals of African descent in gnomAD. At this time, the clinical significance of this variant is uncertain due to the absence of conclusive functional and genetic evidence.

Labcorp Genetics (formerly Invitae), Labcorp
Classification: Uncertain significance for Peroxisome biogenesis disorder. Last evaluated: 2024-10-23. Review status: criteria provided, single submitter. Criteria: Invitae Variant Classification Sherloc (09022015). Collection method: clinical testing. Allele origin: germline.
Comment: This sequence change replaces valine, which is neutral and non-polar, with isoleucine, which is neutral and non-polar, at codon 313 of the PEX16 protein (p.Val313Ile). This variant is present in population databases (rs747521980, gnomAD 0.007%). This variant has not been reported in the literature in individuals affected with PEX16-related conditions. ClinVar contains an entry for this variant (Variation ID: 956787). Invitae Evidence Modeling of protein sequence and biophysical properties (such as structural, functional, and spatial information, amino acid conservation, physicochemical variation, residue mobility, and thermodynamic stability) indicates that this missense variant is not expected to disrupt PEX16 protein function with a negative predictive value of 80%. In summary, the available evidence is currently insufficient to determine the role of this variant in disease. Therefore, it has been classified as a Variant of Uncertain Significance.

Blueprint Genetics
Classification: Uncertain significance. Last evaluated: 2023-07-07. Review status: criteria provided, single submitter. Criteria: ACMG Guidelines, 2015. Collection method: clinical testing. Allele origin: germline.